The following is an entry in ClinVar:

ClinVar aggregate classification (germline): Likely benign. Review status: criteria provided, single submitter (1 of 4 stars). 2 submissions from 2 submitters: Likely benign (1). 1 of the submissions does not count toward it. Last evaluated 2023-09-06.

Conditions:
ITSN2-related disorder. Also called: ITSN2-related condition.

Allele frequency attached by ClinVar (database versions not stated): gnomAD 0.00024; TOPMed 0.00024; ExAC 0.00025; gnomAD exomes 0.00034; ESP Exome Variant Server 0.00038.
gnomAD v4.1: 523 of 1,606,072 alleles (0.033%); highest among the groups gnomAD compares: Middle Eastern, 0.083%; no homozygotes.

Submissions (2):

Labcorp Genetics (formerly Invitae), Labcorp
Classification: Likely benign. Last evaluated: 2023-09-06. Review status: criteria provided, single submitter. Criteria: Invitae Variant Classification Sherloc (09022015). Collection method: clinical testing. Allele origin: germline.

PreventionGenetics, part of Exact Sciences
Classification: Likely benign for ITSN2-related condition. Last evaluated: 2022-07-06. Review status: no assertion criteria provided. Collection method: clinical testing. Allele origin: germline. Not counted in ClinVar's aggregate classification.
Comment: This variant is classified as likely benign based on ACMG/AMP sequence variant interpretation guidelines (Richards et al. 2015 PMID: 25741868, with internal and published modifications).

NM_006277.3(ITSN2):c.2356-4G>A

Gene: ITSN2 (intersectin 2; minus strand). Cytogenetic location: 2p23.3.
Variant type: single nucleotide variant.
Coding change: c.2356-4G>A on transcript NM_006277.3 (MANE Select); 4 bases into the intron before coding-DNA position 2356, G replaced by A.
Molecular consequence: intron variant.
Genome position (GRCh38, 1-based): chr2:24,261,746, C>T on the plus strand (G>A on the coding strand, the complement: ITSN2 is on the minus strand). VCF-style: chr2-24261746-C-T. GRCh37 (hg19) VCF-style: chr2-24484615-C-T.
Other names: c.2356-4G>A (NM_006277.2, NM_147152.3); c.2236-4G>A (NM_001348182.2, NM_001348186.2); c.2275-4G>A (NM_019595.4, NM_001348183.2); c.2314-4G>A (NM_001348181.2); c.2317-4G>A (NM_001348185.2); c.2233-4G>A (NM_001348184.2).
Identifiers: ClinVar variation 2712193 (VCV002712193.5), dbSNP rs371011890, ClinGen allele CA1551189.